The following is an entry in ClinVar:

NM_001040142.2(SCN2A):c.4015A>G (p.Asn1339Asp)

Gene: SCN2A (sodium voltage-gated channel alpha subunit 2; plus strand). Cytogenetic location: 2q24.3.
Variant type: single nucleotide variant.
Coding change: c.4015A>G on transcript NM_001040142.2 (MANE Select); coding-DNA position 4015, A replaced by G.
Protein change: p.Asn1339Asp; replaces asparagine 1339 with aspartic acid.
Molecular consequence: missense variant.
Genome position (GRCh38, 1-based): chr2:165,374,727, A>G. VCF-style: chr2-165374727-A-G. GRCh37 (hg19) VCF-style: chr2-166231237-A-G.
Other names: c.4015A>G, p.Asn1339Asp (NM_001040143.2, NM_001371246.1, NM_001371247.1 and 1 more transcripts); short protein forms N1339D.
Identifiers: ClinVar variation 1342679 (VCV001342679.5), dbSNP rs2105373027, ClinGen allele CA349030307.

ClinVar aggregate classification (germline): Pathogenic (0 of 4 stars; one submission).

Conditions:
Developmental and epileptic encephalopathy. Identifiers: MedGen C5779964, MONDO:0100620.
West syndrome. Also called: Infantile epileptic spasms syndrome. Identifiers: Orphanet 3451, Orphanet 697160, MedGen C0037769, MONDO:0018097. Disease mechanism: loss of function.

Submissions (2):

Neurology Department, Shenzhen Children's Hospital
Classification: Pathogenic for Early-infantile DEE. Last evaluated: 2022-02-16. Review status: no assertion criteria provided. Collection method: clinical testing. Allele origin: de novo. Affected: yes.

Channelopathy-Associated Epilepsy Research Center
No classification provided (evidence only). Condition: Complex neurodevelopmental disorder. Review status: no classification provided. Collection method: literature only. Allele origin: not applicable. Functional consequence: Normal peak current, Normal slope of activation, Normal slope of fast inactivation, Normal voltage dependence of fast inactivation, Moderate hyperpolarizing shift of voltage dependence of activation, Acceleration of recovery from fast inactivation, Overall gain-of-function. Not counted in ClinVar's aggregate classification.
ClinVar note: "not provided" was previously submitted as the classification for the variant. However, the classification appeared to be based only on an observation of functional data so it was converted to no classification on 2025-07-30.

Literature cited by the submitters: PubMed 32400968 (cited by Channelopathy-Associated Epilepsy Research Center).